The following is an entry in ClinVar:

ClinVar aggregate classification (germline): Pathogenic (1 of 4 stars; one submission).

Conditions:
X-linked lymphoproliferative disease due to XIAP deficiency. Also called: XIAP-Related Lymphoproliferative Disease, X-Linked; XIAP DEFICIENCY. Identifiers: Orphanet 2442, Orphanet 538934, MedGen C1845076, MONDO:0010385, OMIM 300635.

Submission:

Labcorp Genetics (formerly Invitae), Labcorp
Classification: Pathogenic for X-linked lymphoproliferative disease due to XIAP deficiency. Last evaluated: 2024-09-30. Review status: criteria provided, single submitter. Criteria: Invitae Variant Classification Sherloc (09022015). Collection method: clinical testing. Allele origin: germline.
Comment: This sequence change creates a premature translational stop signal (p.Trp73*) in the XIAP gene. It is expected to result in an absent or disrupted protein product. Loss-of-function variants in XIAP are known to be pathogenic (PMID: 17080092, 21119115, 25666262). This variant is not present in population databases (gnomAD no frequency). This variant has not been reported in the literature in individuals affected with XIAP-related conditions. For these reasons, this variant has been classified as Pathogenic.

Literature cited by the submitters: PubMed 17080092; PubMed 21119115; PubMed 25666262.

NM_001167.4(XIAP):c.218G>A (p.Trp73Ter)

Gene: XIAP (X-linked inhibitor of apoptosis; plus strand). Cytogenetic location: Xq25.
Variant type: single nucleotide variant.
Coding change: c.218G>A on transcript NM_001167.4 (MANE Select); coding-DNA position 218, G replaced by A.
Protein change: p.Trp73Ter; replaces tryptophan 73 with a stop codon.
Molecular consequence: nonsense.
Genome position (GRCh38, 1-based): chrX:123,885,880, G>A. VCF-style: chrX-123885880-G-A. GRCh37 (hg19) VCF-style: chrX-123019730-G-A.
Other names: c.218G>A, p.Trp73Ter (NM_001204401.2, NM_001378590.1, NM_001378591.1 and 1 more transcripts); short protein forms W73*.
Identifiers: ClinVar variation 3642311 (VCV003642311.2).
Genomic context (GRCh38, chrX:123,885,880, plus strand): 5'-TTTATACTGGTGAAGGAGATACCGTGCGGTGCTTTAGTTGTCATGCAGCTGTAGATAGAT[G>A]GCAATATGGAGACTCAGCAGTTGGAAGACACAGGAAAGTATCCCCAAATTGCAGATTTAT-3'